The following is an entry in ClinVar:

ClinVar aggregate classification (germline): Uncertain significance (0 of 4 stars; one submission).

Conditions:
Wolff-Parkinson-White pattern. Also called: WPW SYNDROME; Auriculoventricular accessory pathway syndrome; False bundle branch block syndrome; Anomalous ventricular excitation syndrome. Identifiers: MedGen C0043202, MONDO:0008685, OMIM 194200, HP:0001716.

Submission:

Lupski Lab, Baylor-Hopkins CMG, Baylor College of Medicine
Classification: Uncertain significance for Wolff-Parkinson-White pattern. Last evaluated: 2017-07-14. Review status: no assertion criteria provided. Collection method: research. Allele origin: inherited. Affected: yes. Observed: 1 variant allele. Study: Candidate_variants_in_patients_with_ Wolff-Parkinson-White Syndrome.

NM_133372.3(FNIP1):c.455+1G>A

Gene: FNIP1 (folliculin interacting protein 1; minus strand). Cytogenetic location: 5q31.1.
Variant type: single nucleotide variant.
Coding change: c.455+1G>A on transcript NM_133372.3 (MANE Select); the canonical splice donor site of the intron after coding-DNA position 455, G replaced by A.
Molecular consequence: splice donor variant.
Genome position (GRCh38, 1-based): chr5:131,719,316, C>T on the plus strand (G>A on the coding strand, the complement: FNIP1 is on the minus strand). VCF-style: chr5-131719316-C-T. GRCh37 (hg19) VCF-style: chr5-131055009-C-T.
Other names: c.320+1G>A (NM_001346114.2); c.455+1G>A (NM_001008738.3, NM_001346113.2).
Identifiers: ClinVar variation 487589 (VCV000487589.1), dbSNP rs1554096246, ClinGen allele CA360840386.